The following is an entry in ClinVar:

ClinVar aggregate classification (germline): Uncertain significance (1 of 4 stars; one submission).

gnomAD v4.1: 3 of 1,613,274 alleles (0.00019%); highest among the groups gnomAD compares: Non-Finnish European, 0.00025%; no homozygotes.

Submission:

Labcorp Genetics (formerly Invitae), Labcorp
Classification: Uncertain significance. Last evaluated: 2026-01-21. Review status: criteria provided, single submitter. Criteria: Invitae Variant Classification Sherloc (09022015). Collection method: clinical testing. Allele origin: germline.
Comment: This sequence change replaces glutamine, which is neutral and polar, with histidine, which is basic and polar, at codon 681 of the CARMIL2 protein (p.Gln681His). This variant is present in population databases (rs756018022, gnomAD 0.002%). This variant has not been reported in the literature in individuals affected with CARMIL2-related conditions. Invitae Evidence Modeling of protein sequence and biophysical properties (such as structural, functional, and spatial information, amino acid conservation, physicochemical variation, residue mobility, and thermodynamic stability) indicates that this missense variant is not expected to disrupt CARMIL2 protein function with a negative predictive value of 80%. In summary, the available evidence is currently insufficient to determine the role of this variant in disease. Therefore, it has been classified as a Variant of Uncertain Significance.

NM_001013838.3(CARMIL2):c.2043G>T (p.Gln681His)

Gene: CARMIL2 (capping protein regulator and myosin 1 linker 2; plus strand). Cytogenetic location: 16q22.1.
Variant type: single nucleotide variant.
Coding change: c.2043G>T on transcript NM_001013838.3 (MANE Select); coding-DNA position 2043, G replaced by T.
Protein change: p.Gln681His; replaces glutamine 681 with histidine.
Molecular consequence: missense variant.
Genome position (GRCh38, 1-based): chr16:67,649,929, G>T. VCF-style: chr16-67649929-G-T. GRCh37 (hg19) VCF-style: chr16-67683832-G-T.
Other names: c.1935G>T, p.Gln645His (NM_001317026.3, NM_001438244.1, NM_001438835.1); short protein forms Q681H, Q645H.
Identifiers: ClinVar variation 4701137 (VCV004701137.1).